The following is an entry in ClinVar:

NM_005732.4(RAD50):c.3142A>T (p.Met1048Leu)

Gene: RAD50 (RAD50 double strand break repair protein; plus strand). Cytogenetic location: 5q31.1.
Variant type: single nucleotide variant.
Coding change: c.3142A>T on transcript NM_005732.4 (MANE Select); coding-DNA position 3142, A replaced by T.
Protein change: p.Met1048Leu; replaces methionine 1048 with leucine.
Molecular consequence: missense variant.
Genome position (GRCh38, 1-based): chr5:132,616,108, A>T. VCF-style: chr5-132616108-A-T. GRCh37 (hg19) VCF-style: chr5-131951800-A-T.
Other names: c.3142A>T (NM_005732.3); short protein forms M1048L.
Identifiers: ClinVar variation 2008517 (VCV002008517.6), dbSNP rs1751170663, ClinGen allele CA360963865.
Genomic context (GRCh38, chr5:132,616,108, plus strand): 5'-AATGAGGAACTAAAAGAAGTTGAAGAAGAAAGAAAACAACATTTGAAGGAAATGGGTCAA[A>T]TGCAGGTTTTGCAAATGAAAAGGTATGCTTTTAAAATAATCTTCAGTTTAAATAAACGTC-3'
Protein context (NP_005723.2, residues 1038-1058): RKQHLKEMGQ[Met1048Leu]QVLQMKSEHQ

ClinVar aggregate classification (germline): Uncertain significance. Review status: criteria provided, multiple submitters, no conflicts (2 of 4 stars). 2 submissions from 2 submitters: Uncertain significance (2). Last evaluated 2025-08-12.

Conditions:
Hereditary cancer-predisposing syndrome. Also called: Tumor predisposition; Neoplastic Syndromes, Hereditary; Hereditary Cancer Syndrome; Hereditary neoplastic syndrome. Identifiers: Orphanet 140162, MedGen C0027672, MeSH D009386, MONDO:0015356.

Submissions (2):

Ambry Genetics
Classification: Uncertain significance for Hereditary cancer-predisposing syndrome. Last evaluated: 2025-08-12. Review status: criteria provided, single submitter. Criteria: Ambry Variant Classification Scheme 2023. Collection method: clinical testing. Allele origin: germline.
Comment: The p.M1048L variant (also known as c.3142A>T), located in coding exon 20 of the RAD50 gene, results from an A to T substitution at nucleotide position 3142. The methionine at codon 1048 is replaced by leucine, an amino acid with highly similar properties. This amino acid position is conserved. In addition, the in silico prediction for this alteration is inconclusive. Based on the available evidence, the clinical significance of this variant remains unclear.

Labcorp Genetics (formerly Invitae), Labcorp
Classification: Uncertain significance for Hereditary cancer-predisposing syndrome. Last evaluated: 2022-06-19. Review status: criteria provided, single submitter. Criteria: Invitae Variant Classification Sherloc (09022015). Collection method: clinical testing. Allele origin: germline.
Comment: In summary, the available evidence is currently insufficient to determine the role of this variant in disease. Therefore, it has been classified as a Variant of Uncertain Significance. Algorithms developed to predict the effect of missense changes on protein structure and function (SIFT, PolyPhen-2, Align-GVGD) all suggest that this variant is likely to be tolerated. This variant has not been reported in the literature in individuals affected with RAD50-related conditions. This variant is not present in population databases (gnomAD no frequency). This sequence change replaces methionine, which is neutral and non-polar, with leucine, which is neutral and non-polar, at codon 1048 of the RAD50 protein (p.Met1048Leu).